The following is an entry in ClinVar:

NM_001035.3(RYR2):c.12019T>G (p.Ser4007Ala)

Gene: RYR2 (ryanodine receptor 2; plus strand). Cytogenetic location: 1q43.
Variant type: single nucleotide variant.
Coding change: c.12019T>G on transcript NM_001035.3 (MANE Select); coding-DNA position 12019, T replaced by G.
Protein change: p.Ser4007Ala; replaces serine 4007 with alanine.
Molecular consequence: missense variant.
Genome position (GRCh38, 1-based): chr1:237,783,731, T>G. VCF-style: chr1-237783731-T-G. GRCh37 (hg19) VCF-style: chr1-237947031-T-G.
Other names: short protein forms S4007A.
Identifiers: ClinVar variation 1747591 (VCV001747591.2), dbSNP rs1695316005, ClinGen allele CA345411903.
Genomic context (GRCh38, chr1:237,783,731, plus strand): 5'-CCAGGTAATGTTGTTAATGGAACGATTGGCAAACAGATGGTGGATATGCTTGTGGAATCT[T>G]CCAACAACGTGGAGATGATTCTCAAATTTTTTGACATGTTCTTAAAACTAAAGGATTTGA-3'
Protein context (NP_001026.2, residues 3997-4017): KQMVDMLVES[Ser4007Ala]NNVEMILKFF

ClinVar aggregate classification (germline): Uncertain significance (1 of 4 stars; one submission).

Conditions:
Cardiovascular phenotype. Identifiers: MedGen CN230736.

gnomAD v4.1: 3 of 1,612,450 alleles (0.00019%); highest among the groups gnomAD compares: East Asian, 0.0067%; no homozygotes.

Submission:

Ambry Genetics
Classification: Uncertain significance for Cardiovascular phenotype. Last evaluated: 2022-03-08. Review status: criteria provided, single submitter. Criteria: Ambry Variant Classification Scheme 2023. Collection method: clinical testing. Allele origin: germline.
Comment: The p.S4007A variant (also known as c.12019T>G), located in coding exon 90 of the RYR2 gene, results from a T to G substitution at nucleotide position 12019. The serine at codon 4007 is replaced by alanine, an amino acid with similar properties. This amino acid position is highly conserved in available vertebrate species. In addition, the in silico prediction for this alteration is inconclusive. Since supporting evidence is limited at this time, the clinical significance of this alteration remains unclear.